The following is an entry in ClinVar:

ClinVar aggregate classification (germline): Benign (1 of 4 stars; one submission).

Conditions:
Citrullinemia type I (CTNL1). Also called: argininosuccinate synthetase deficiency; ASS DEFICIENCY. Identifiers: Orphanet 247525, MedGen C4721769, MONDO:0008988, OMIM 215700.

Allele frequency attached by ClinVar (database versions not stated): 1000 Genomes Project 30x 0.00828; TOPMed 0.00954; 1000 Genomes Project 0.00779; gnomAD 0.00843 and 0.00899.

Submission:

Illumina Laboratory Services, Illumina
Classification: Benign for Citrullinemia type I. Last evaluated: 2018-01-12. Review status: criteria provided, single submitter. Criteria: ICSL Variant Classification Criteria 13 December 2019. Collection method: clinical testing. Allele origin: germline.
Comment: This variant was observed in the ICSL laboratory as part of a predisposition screen in an ostensibly healthy population. It had not been previously curated by ICSL or reported in the Human Gene Mutation Database (HGMD: prior to June 1st, 2018), and was therefore a candidate for classification through an automated scoring system. Utilizing variant allele frequency, disease prevalence and penetrance estimates, and inheritance mode, an automated score was calculated to assess if this variant is too frequent to cause the disease. Based on the score and internal cut-off values, a variant classified as benign is not then subjected to further curation. The score for this variant resulted in a classification of benign for this disease.

NM_054012.3(ASS1):c.-172C>T

Genes: ASS1 (argininosuccinate synthase 1; plus strand), LOC130002809 (ATAC-STARR-seq lymphoblastoid silent region 20401; plus strand). Cytogenetic location: 9q34.11.
Variant type: single nucleotide variant.
Coding change: c.-172C>T on transcript NM_054012.3; 172 bases upstream of the start codon, C replaced by T.
Molecular consequence: 5 prime UTR variant (on NM_000050.4).
Genome position (GRCh38, 1-based): chr9:130,444,829, C>T. VCF-style: chr9-130444829-C-T. GRCh37 (hg19) VCF-style: chr9-133320216-C-T.
Other names: c.-234C>T (NM_000050.4).
Identifiers: ClinVar variation 365246 (VCV000365246.7), dbSNP rs142263406, ClinGen allele CA10632530.
Genomic context (GRCh38, chr9:130,444,829, plus strand): 5'-GGGGGAGGTGGGGACGAGGCCTGGGGAGGCGGGCCCCGCCCATCTGCAGGTGGCTGTGAA[C>T]GCTGAGCGGCTCCAGGCGGGGGCCGGGCCCGGGGGCGGGGTCTGTGGCGCGCGTCCCCGC-3'